The following is an entry in ClinVar:

NM_001365902.3(NFIX):c.187G>A (p.Glu63Lys)

Gene: NFIX (nuclear factor I X; plus strand). Cytogenetic location: 19p13.13.
Variant type: single nucleotide variant.
Coding change: c.187G>A on transcript NM_001365902.3 (MANE Select); coding-DNA position 187, G replaced by A.
Protein change: p.Glu63Lys; replaces glutamic acid 63 with lysine.
Molecular consequence: missense variant.
Genome position (GRCh38, 1-based): chr19:13,025,180, G>A. VCF-style: chr19-13025180-G-A. GRCh37 (hg19) VCF-style: chr19-13135994-G-A.
Other names: c.211G>A, p.Glu71Lys (NM_001271043.2); c.163G>A, p.Glu55Lys (NM_001271044.3, NM_001378404.1); c.187G>A, p.Glu63Lys (NM_001365982.2, NM_002501.4); c.46G>A, p.Glu16Lys (NM_001365983.2); c.184G>A, p.Glu62Lys (NM_001365984.2, NM_001365985.2); c.235G>A, p.Glu79Lys (NM_001378405.1); short protein forms E16K, E55K, E63K, E62K, E71K, E79K.
Identifiers: ClinVar variation 2092634 (VCV002092634.4), dbSNP rs2013234045, ClinGen allele CA404313648.

ClinVar aggregate classification (germline): Likely pathogenic (1 of 4 stars; one submission).

Conditions:
Marshall-Smith syndrome (MRSHSS). Identifiers: Orphanet 561, MedGen C0265211, MONDO:0011244, OMIM 602535.
Malan overgrowth syndrome (MALNS). Also called: NFIX-Related Malan Syndrome; MALAN SYNDROME; Sotos syndrome 2. Identifiers: Orphanet 420179, MedGen C3553660, MONDO:0013885, OMIM 614753.

Submission:

Labcorp Genetics (formerly Invitae), Labcorp
Classification: Likely pathogenic for Malan overgrowth syndrome; Marshall-Smith syndrome. Last evaluated: 2022-03-07. Review status: criteria provided, single submitter. Criteria: Invitae Variant Classification Sherloc (09022015). Collection method: clinical testing. Allele origin: germline.
Comment: This missense change has been observed in individual(s) with clinical features of Sotos syndrome (Invitae). In at least one individual the variant was observed to be de novo. This variant is not present in population databases (gnomAD no frequency). This sequence change replaces glutamic acid, which is acidic and polar, with lysine, which is basic and polar, at codon 71 of the NFIX protein (p.Glu71Lys). Algorithms developed to predict the effect of missense changes on protein structure and function are either unavailable or do not agree on the potential impact of this missense change (SIFT: "Deleterious"; PolyPhen-2: "Not Available"; Align-GVGD: "Class C0"). In summary, the currently available evidence indicates that the variant is pathogenic, but additional data are needed to prove that conclusively. Therefore, this variant has been classified as Likely Pathogenic.